The following is an entry in ClinVar:

NM_001365999.1(SZT2):c.4541G>T (p.Arg1514Leu)

Gene: SZT2 (SZT2 subunit of KICSTOR complex; plus strand). Cytogenetic location: 1p34.2.
Variant type: single nucleotide variant.
Coding change: c.4541G>T on transcript NM_001365999.1 (MANE Select); coding-DNA position 4541, G replaced by T.
Protein change: p.Arg1514Leu; replaces arginine 1514 with leucine.
Molecular consequence: missense variant.
Genome position (GRCh38, 1-based): chr1:43,430,556, G>T. VCF-style: chr1-43430556-G-T. GRCh37 (hg19) VCF-style: chr1-43896227-G-T.
Other names: c.4370G>T, p.Arg1457Leu (NM_015284.4); short protein forms R1514L, R1457L.
Identifiers: ClinVar variation 1351382 (VCV001351382.6), dbSNP rs1309175428, ClinGen allele CA340021844.

ClinVar aggregate classification (germline): Uncertain significance (1 of 4 stars; one submission).

Submission:

Labcorp Genetics (formerly Invitae), Labcorp
Classification: Uncertain significance. Last evaluated: 2021-11-19. Review status: criteria provided, single submitter. Criteria: Invitae Variant Classification Sherloc (09022015). Collection method: clinical testing. Allele origin: germline.
Comment: In summary, the available evidence is currently insufficient to determine the role of this variant in disease. Therefore, it has been classified as a Variant of Uncertain Significance. Algorithms developed to predict the effect of missense changes on protein structure and function output the following: SIFT: "Tolerated"; PolyPhen-2: "Possibly Damaging"; Align-GVGD: "Class C0". The leucine amino acid residue is found in multiple mammalian species, which suggests that this missense change does not adversely affect protein function. This variant has not been reported in the literature in individuals affected with SZT2-related conditions. This variant is not present in population databases (gnomAD no frequency). This sequence change replaces arginine, which is basic and polar, with leucine, which is neutral and non-polar, at codon 1457 of the SZT2 protein (p.Arg1457Leu).